The following is an entry in ClinVar:

NM_001376.5(DYNC1H1):c.6759C>A (p.Ile2253=)

Gene: DYNC1H1 (dynein cytoplasmic 1 heavy chain 1; plus strand). Cytogenetic location: 14q32.31.
Variant type: single nucleotide variant.
Coding change: c.6759C>A on transcript NM_001376.5 (MANE Select); coding-DNA position 6759, C replaced by A.
Protein change: p.Ile2253=; no amino-acid change (isoleucine 2253 retained).
Molecular consequence: synonymous variant.
Genome position (GRCh38, 1-based): chr14:102,012,015, C>A. VCF-style: chr14-102012015-C-A. GRCh37 (hg19) VCF-style: chr14-102478352-C-A.
Identifiers: ClinVar variation 4821077 (VCV004821077.4).

ClinVar aggregate classification (germline): Likely benign (1 of 4 stars; one submission).

gnomAD v4.1: 1 of 1,613,970 alleles (0.000062%); highest among the groups gnomAD compares: Non-Finnish European, 0.000085%; no homozygotes.

Submission:

CeGaT Center for Human Genetics Tuebingen
Classification: Likely benign. Last evaluated: 2026-03-01. Review status: criteria provided, single submitter. Criteria: CeGaT Center For Human Genetics Tuebingen Variant Classification Criteria Version 2. Collection method: clinical testing. Allele origin: germline. Affected: yes. Observed: 1 variant allele.
Comment: DYNC1H1: BP4, BP7